The following is an entry in ClinVar:

NM_032656.4(DHX37):c.2674C>T (p.Arg892Trp)

Gene: DHX37 (DEAH-box helicase 37; minus strand). Cytogenetic location: 12q24.31.
Variant type: single nucleotide variant.
Coding change: c.2674C>T on transcript NM_032656.4 (MANE Select); coding-DNA position 2674, C replaced by T.
Protein change: p.Arg892Trp; replaces arginine 892 with tryptophan.
Molecular consequence: missense variant.
Genome position (GRCh38, 1-based): chr12:124,953,901, G>A on the plus strand (C>T on the coding strand, the complement: DHX37 is on the minus strand). VCF-style: chr12-124953901-G-A. GRCh37 (hg19) VCF-style: chr12-125438447-G-A.
Other names: short protein forms R892W.
Identifiers: ClinVar variation 2726543 (VCV002726543.3), dbSNP rs369049552, ClinGen allele CA6871550.

ClinVar aggregate classification (germline): Uncertain significance (1 of 4 stars; one submission).

Allele frequency attached by ClinVar (database versions not stated): ExAC 0.00001; gnomAD 0.00001; gnomAD exomes 0.00003; TOPMed 0.00006; ESP Exome Variant Server 0.00008.
gnomAD v4.1: 41 of 1,611,432 alleles (0.0025%); highest among the groups gnomAD compares: Admixed American, 0.01%; no homozygotes.

Submission:

Labcorp Genetics (formerly Invitae), Labcorp
Classification: Uncertain significance. Last evaluated: 2023-07-11. Review status: criteria provided, single submitter. Criteria: Invitae Variant Classification Sherloc (09022015). Collection method: clinical testing. Allele origin: germline.
Comment: Advanced modeling of protein sequence and biophysical properties (such as structural, functional, and spatial information, amino acid conservation, physicochemical variation, residue mobility, and thermodynamic stability) performed at Invitae indicates that this missense variant is expected to disrupt DHX37 protein function. This sequence change replaces arginine, which is basic and polar, with tryptophan, which is neutral and slightly polar, at codon 892 of the DHX37 protein (p.Arg892Trp). The frequency data for this variant in the population databases is considered unreliable, as metrics indicate poor data quality at this position in the gnomAD database. This variant has not been reported in the literature in individuals affected with DHX37-related conditions. In summary, the available evidence is currently insufficient to determine the role of this variant in disease. Therefore, it has been classified as a Variant of Uncertain Significance.